The following is an entry in ClinVar:

ClinVar aggregate classification (germline): Uncertain significance. Review status: criteria provided, multiple submitters, no conflicts (2 of 4 stars). 3 submissions from 3 submitters: Uncertain significance (3). Last evaluated 2026-06-30.

Conditions:
COL18A1-related disorder. Also called: COL18A1-related disorders; COL18A1-related condition.

Submissions (3):

PreventionGenetics, part of Exact Sciences
Classification: Uncertain significance for COL18A1-related condition. Last evaluated: 2026-06-30. Review status: criteria provided, single submitter. Criteria: ACMG Guidelines, 2015. Collection method: clinical testing. Allele origin: germline.
Comment: The COL18A1 c.67dupG variant is predicted to result in a frameshift and premature protein termination (p.Ala23Glyfs*13). In the primary transcript NM_001379500.1 this variant is also known as c.107-12645dup and is intronic. To our knowledge, this variant has not been reported in the literature. This variant is reported in 0.0029% of alleles in individuals of Latino descent in gnomAD. Although we suspect that this variant may be pathogenic, at this time, the clinical significance of this variant is uncertain due to the absence of conclusive functional and genetic evidence.

Labcorp Genetics (formerly Invitae), Labcorp
Classification: Uncertain significance. Last evaluated: 2021-11-09. Review status: criteria provided, single submitter. Criteria: Invitae Variant Classification Sherloc (09022015). Collection method: clinical testing. Allele origin: germline.
Comment: This sequence change creates a premature translational stop signal (p.Asn24Thrfs*3) in the COL18A1 gene. However, it is currently unclear if variants that occur in this region of the gene cause disease. This variant occurs in alternate transcript NM_030582.3, and corresponds to c.107-12645_107-12644insG in the primary transcript. This variant is present in population databases (rs752078007, gnomAD 0.003%). This variant has not been reported in the literature in individuals affected with COL18A1-related conditions. ClinVar contains an entry for this variant (Variation ID: 402553). In summary, the available evidence is currently insufficient to determine the role of this variant in disease. Therefore, it has been classified as a Variant of Uncertain Significance.

Laboratory for Molecular Medicine, Mass General Brigham Personalized Medicine
Classification: Uncertain significance. Last evaluated: 2016-03-28. Review status: criteria provided, single submitter. Criteria: LMM Criteria. Collection method: clinical testing. Allele origin: germline.
Comment: Variant identified in a genome or exome case(s) and assessed due to predicted null impact of the variant or pathogenic assertions in the literature or databases. Disclaimer: This variant has not undergone full assessment. The following are preliminary notes: LOF variants in this gene are associated with Knobloch syndrome (extreme nearsightedness and skull defect). HGMD associates a missense and a noncoding variant in this gene with increased risk of hepatocellular carcinoma, sporadic breast cancer, and prostate cancer. Endothelin, which results from proteolytic cleavage of COL18A1, is involved in angiogenesis. Because there isn't strong evidence showing that variants in this gene cause hereditary cancer, I am classifying as VUS4 for cancer.

NM_001379500.1(COL18A1):c.107-12645dup

Gene: COL18A1 (collagen type XVIII alpha 1 chain; plus strand). Cytogenetic location: 21q22.3.
Variant type: Duplication.
Coding change: c.107-12645dup on transcript NM_001379500.1 (MANE Select); 12645 bases into the intron before coding-DNA position 107, one base duplicated (G; older notation c.107-12645dupG).
Molecular consequence: intron variant. On other transcripts: frameshift variant (2).
Genome position (GRCh38, 1-based): chr21:45,455,597, G duplicated; the last of 3 consecutive G bases (chr21:45,455,595-45,455,597); duplicating any one gives the same sequence. VCF-style (leftmost placement, unchanged base first): chr21-45455594-C-CG. GRCh37 (hg19) VCF-style: chr21-46875508-C-CG.
Other names: c.67dup, p.Ala23fs (NM_030582.4, NM_130444.3); short protein forms A23fs.
Identifiers: ClinVar variation 402553 (VCV000402553.6), dbSNP rs752078007, ClinGen allele CA10065375.
Genomic context (GRCh38, chr21:45,455,594, plus strand): 5'-GCTCCCTACCCCTGTGGCTGCCACATCCTGCTGCTGCTCTTCTGCTGCCTGGCGGCTGCC[C>CG]GGGCCAACCTGCTGAACCTGAACTGGCTTTGGTTCAATAATGAGGACACCAGCCATGCAG-3'